The following is an entry in ClinVar:

ClinVar aggregate classification (germline): Conflicting classifications of pathogenicity. Review status: criteria provided, conflicting classifications (1 of 4 stars). 5 submissions from 5 submitters: Likely pathogenic (4); Uncertain significance (1). Last evaluated 2025-09-16.

Conditions:
Hematuria, benign familial, 2 (BFH2). Identifiers: MedGen C5830421, MONDO:0958186, OMIM 620320.
Alport syndrome 3b, autosomal recessive. Identifiers: MedGen C5882699, MONDO:0957811, OMIM 620536.
Autosomal dominant Alport syndrome (ATS3A). Also called: ALPORT SYNDROME 3A, AUTOSOMAL DOMINANT; Alport syndrome dominant type; Renal failure and sensorineural hearing loss. Identifiers: Orphanet 63, Orphanet 88918, MedGen C5882663, MONDO:0007086, OMIM 104200.
Inborn genetic diseases. Identifiers: MedGen C0950123, MeSH D030342.
COL4A3-related disorder. Also called: COL4A3-related condition; COL4A3-Related Disorders.
Alport syndrome. Also called: Hemorrhagic familial nephritis; Hemorrhagic hereditary nephritis; Congenital hereditary hematuria. Identifiers: Orphanet 63, MedGen C1567741, MONDO:0018965.

Allele frequency attached by ClinVar (database versions not stated): gnomAD exomes below 0.00001.
gnomAD v4.1: 1 of 1,613,886 alleles (0.000062%); highest among the groups gnomAD compares: Non-Finnish European, 0.000085%; no homozygotes.

Submissions (5):

Ambry Genetics
Classification: Uncertain significance for Inborn genetic diseases. Last evaluated: 2025-09-16. Review status: criteria provided, single submitter. Criteria: Ambry Variant Classification Scheme 2023. Collection method: clinical testing. Allele origin: germline.
Comment: The c.1540G>A (p.G514R) alteration is located in exon 24 (coding exon 24) of the COL4A3 gene. This alteration results from a G to A substitution at nucleotide position 1540, causing the glycine (G) at amino acid position 514 to be replaced by an arginine (R). This variant was not reported in population-based cohorts in the Genome Aggregation Database (gnomAD). This variant was reported in individual(s) with features consistent with Alport syndrome (Alge, 2023; external communication). Other variant(s) at the same codon, c.1541G>A (p.G514E), have been identified in individual(s) with features consistent with Alport syndrome (Zhou, 2023). This amino acid position is highly conserved in available vertebrate species. This alteration is predicted to be deleterious by in silico analysis. Based on insufficient or conflicting evidence, the clinical significance of this alteration remains unclear.

Natera, Inc.
Classification: Likely pathogenic for Alport syndrome. Last evaluated: 2025-08-22. Review status: criteria provided, single submitter. Criteria: Natera Variant Classification Schema (03/2026). Collection method: clinical testing. Allele origin: germline.
Comment: The c.1540G>A variant in COL4A3 is a missense variant predicted to cause substitution of glycine to arginine at amino acid 514. This variant is rare in the general population with a frequency below the threshold expected for the associated phenotype(s). This variant is located in a functionally critical region of the protein. Computational prediction algorithms indicate this variant is likely to affect gene or protein function. Given the available evidence, this variant is classified as Likely Pathogenic.

Labcorp Genetics (formerly Invitae), Labcorp
Classification: Likely pathogenic. Last evaluated: 2025-03-05. Review status: criteria provided, single submitter. Criteria: Invitae Variant Classification Sherloc (09022015). Collection method: clinical testing. Allele origin: germline.
Comment: This sequence change replaces glycine, which is neutral and non-polar, with arginine, which is basic and polar, at codon 514 of the COL4A3 protein (p.Gly514Arg). This variant is not present in population databases (gnomAD no frequency). This missense change has been observed in individuals with autosomal dominant COL4A3-related conditions (internal data). ClinVar contains an entry for this variant (Variation ID: 964178). Invitae Evidence Modeling of protein sequence and biophysical properties (such as structural, functional, and spatial information, amino acid conservation, physicochemical variation, residue mobility, and thermodynamic stability) indicates that this missense variant is expected to disrupt COL4A3 protein function with a positive predictive value of 80%. In summary, the currently available evidence indicates that the variant is pathogenic, but additional data are needed to prove that conclusively. Therefore, this variant has been classified as Likely Pathogenic.

Fulgent Genetics
Classification: Likely pathogenic for Autosomal dominant Alport syndrome; Hematuria, benign familial, 2; Alport syndrome 3b, autosomal recessive. Last evaluated: 2024-06-19. Review status: criteria provided, single submitter. Criteria: ACMG Guidelines, 2015. Collection method: clinical testing. Allele origin: germline.

Blueprint Genetics
Classification: Likely pathogenic for COL4A3-related disorders. Last evaluated: 2021-03-26. Review status: criteria provided, single submitter. Criteria: ACMG Guidelines, 2015. Collection method: clinical testing. Allele origin: germline. Affected: yes. Observed: 1 variant allele.

Literature cited by the submitters: PubMed 35759000 (cited by Ambry Genetics); PubMed 37097554 (cited by Ambry Genetics).

NM_000091.5(COL4A3):c.1540G>A (p.Gly514Arg)

Genes: COL4A3 (collagen type IV alpha 3 chain; plus strand), MFF-DT (MFF divergent transcript; minus strand). Cytogenetic location: 2q36.3.
Variant type: single nucleotide variant.
Coding change: c.1540G>A on transcript NM_000091.5 (MANE Select); coding-DNA position 1540, G replaced by A.
Protein change: p.Gly514Arg; replaces glycine 514 with arginine.
Molecular consequence: missense variant.
Genome position (GRCh38, 1-based): chr2:227,269,945, G>A. VCF-style: chr2-227269945-G-A. GRCh37 (hg19) VCF-style: chr2-228134661-G-A.
Other names: short protein forms G514R.
Identifiers: ClinVar variation 964178 (VCV000964178.15), dbSNP rs2071142257, ClinGen allele CA350871257.